The following is an entry in ClinVar:

ClinVar aggregate classification (germline): Uncertain significance (1 of 4 stars; one submission).

Conditions:
Frontotemporal dementia (FTD1). Also called: Frontotemporal lobe dementia (FLDEM); WILHELMSEN-LYNCH DISEASE; FRONTOTEMPORAL DEMENTIA WITH PARKINSONISM; FRONTOTEMPORAL LOBE DEMENTIA; MULTIPLE SYSTEM TAUOPATHY WITH PRESENILE DEMENTIA; Dementia, frontotemporal, with or without parkinsonism. Identifiers: Orphanet 282, MedGen C0338451, MONDO:0017276, OMIM 600274, HP:0002145.
Pick disease. Also called: Pick's disease; Pick Disease of the Brain; DEMENTIA WITH LOBAR ATROPHY AND NEURONAL CYTOPLASMIC INCLUSIONS; LOBAR ATROPHY OF BRAIN; PICK DISEASE OF BRAIN. Identifiers: Orphanet 282, MedGen C0236642, MONDO:0008243, OMIM 172700.
Acne inversa, familial, 3 (ACNINV3). Identifiers: MedGen C3151038, MONDO:0013398, OMIM 613737.
Alzheimer disease 3 (AD3). Also called: ALZHEIMER DISEASE, FAMILIAL, 3. Identifiers: Orphanet 1020, MedGen C1843013, MONDO:0011913, OMIM 607822.

Allele frequency attached by ClinVar (database versions not stated): gnomAD exomes below 0.00001 and 0.00001; ExAC 0.00001; 1000 Genomes Project 30x 0.00016; 1000 Genomes Project 0.00020; gnomAD 0.00001.
gnomAD v4.1: 2 of 1,614,100 alleles (0.00012%); highest among the groups gnomAD compares: African/African-American, 0.0027%; no homozygotes.

Submission:

Labcorp Genetics (formerly Invitae), Labcorp
Classification: Uncertain significance for Alzheimer disease 3; Pick disease; Acne inversa, familial, 3; Frontotemporal dementia. Last evaluated: 2018-08-01. Review status: criteria provided, single submitter. Criteria: Invitae Variant Classification Sherloc (09022015). Collection method: clinical testing. Allele origin: germline.
Comment: This variant has not been reported in the literature in individuals with PSEN1-related disease. Algorithms developed to predict the effect of missense changes on protein structure and function are either unavailable or do not agree on the potential impact of this missense change (SIFT: "Tolerated"; PolyPhen-2: "Probably Damaging"; Align-GVGD: "Class C0"). In summary, the available evidence is currently insufficient to determine the role of this variant in disease. Therefore, it has been classified as a Variant of Uncertain Significance. This variant is present in population databases (rs543391977, ExAC 0.01%). This sequence change replaces valine with leucine at codon 208 of the PSEN1 protein (p.Val208Leu). The valine residue is highly conserved and there is a small physicochemical difference between valine and leucine.

NM_000021.4(PSEN1):c.622G>T (p.Val208Leu)

Gene: PSEN1 (presenilin 1; plus strand). Cytogenetic location: 14q24.2.
Variant type: single nucleotide variant.
Coding change: c.622G>T on transcript NM_000021.4 (MANE Select); coding-DNA position 622, G replaced by T.
Protein change: p.Val208Leu; replaces valine 208 with leucine.
Molecular consequence: missense variant.
Genome position (GRCh38, 1-based): chr14:73,192,717, G>T. VCF-style: chr14-73192717-G-T. GRCh37 (hg19) VCF-style: chr14-73659425-G-T.
Other names: c.610G>T, p.Val204Leu (NM_007318.3); short protein forms V204L, V208L.
Identifiers: ClinVar variation 657317 (VCV000657317.9), dbSNP rs543391977, ClinGen allele CA7256794.